The following is an entry in ClinVar:

ClinVar aggregate classification (germline): Uncertain significance (1 of 4 stars; one submission).

Submission:

Labcorp Genetics (formerly Invitae), Labcorp
Classification: Uncertain significance. Last evaluated: 2024-10-10. Review status: criteria provided, single submitter. Criteria: Invitae Variant Classification Sherloc (09022015). Collection method: clinical testing. Allele origin: germline.
Comment: This sequence change replaces leucine, which is neutral and non-polar, with phenylalanine, which is neutral and non-polar, at codon 740 of the DDX58 protein (p.Leu740Phe). This variant is not present in population databases (gnomAD no frequency). This variant has not been reported in the literature in individuals affected with DDX58-related conditions. Invitae Evidence Modeling of protein sequence and biophysical properties (such as structural, functional, and spatial information, amino acid conservation, physicochemical variation, residue mobility, and thermodynamic stability) indicates that this missense variant is not expected to disrupt DDX58 protein function with a negative predictive value of 80%. In summary, the available evidence is currently insufficient to determine the role of this variant in disease. Therefore, it has been classified as a Variant of Uncertain Significance.

NM_014314.4(RIGI):c.2218C>T (p.Leu740Phe)

Gene: RIGI (RNA sensor RIG-I; minus strand). Cytogenetic location: 9p21.1.
Variant type: single nucleotide variant.
Coding change: c.2218C>T on transcript NM_014314.4 (MANE Select); coding-DNA position 2218, C replaced by T.
Protein change: p.Leu740Phe; replaces leucine 740 with phenylalanine.
Molecular consequence: missense variant.
Genome position (GRCh38, 1-based): chr9:32,466,409, G>A on the plus strand (C>T on the coding strand, the complement: RIGI is on the minus strand). VCF-style: chr9-32466409-G-A. GRCh37 (hg19) VCF-style: chr9-32466407-G-A.
Other names: c.2212C>T, p.Leu738Phe (NM_001385907.1); c.2047C>T, p.Leu683Phe (NM_001385909.1); c.1777C>T, p.Leu593Phe (NM_001385910.1); c.1609C>T, p.Leu537Phe (NM_001385912.1); c.2203C>T, p.Leu735Phe (NM_001385913.1); c.1774C>T, p.Leu592Phe (NM_001385914.1); short protein forms L593F, L537F, L592F, L735F, L738F, L740F, L683F.
Identifiers: ClinVar variation 3665293 (VCV003665293.2).